The following is an entry in ClinVar:

ClinVar aggregate classification (germline): Pathogenic. Review status: criteria provided, single submitter (1 of 4 stars). 2 submissions from 2 submitters: Pathogenic (1). 1 of the submissions does not count toward it. Last evaluated 2021-10-25.

Conditions:
GATA binding protein 1 related thrombocytopenia with dyserythropoiesis. Also called: GATA1-Related X-Linked Cytopenia; GATA1-Related Cytopenia. Identifiers: MedGen C1845837, MONDO:0100089.
Diamond-Blackfan anemia. Also called: Aase syndrome; Blackfan Diamond syndrome; Aregenerative anemia chronic congenital; Red cell aplasia, pure hereditary; Congenital hypoplastic anemia. Identifiers: Orphanet 124, MedGen C1260899, MeSH D029503, MONDO:0015253, HP:0004810.
Acute megakaryoblastic leukemia. Also called: Acute megakaryocytic leukemia. Identifiers: Orphanet 518, MedGen C0023462, MeSH D007947, MONDO:0018872, HP:0006733.

Submissions (2):

Labcorp Genetics (formerly Invitae), Labcorp
Classification: Pathogenic for GATA binding protein 1 related thrombocytopenia with dyserythropoiesis; Diamond-Blackfan anemia. Last evaluated: 2021-10-25. Review status: criteria provided, single submitter. Criteria: Invitae Variant Classification Sherloc (09022015). Collection method: clinical testing. Allele origin: germline.
Comment: For these reasons, this variant has been classified as Pathogenic. ClinVar contains an entry for this variant (Variation ID: 10429). This variant has not been reported in the literature in individuals affected with GATA1-related conditions. This variant is not present in population databases (gnomAD no frequency). This sequence change creates a premature translational stop signal (p.Ala59Glnfs*85) in the GATA1 gene. It is expected to result in an absent or disrupted protein product. Loss-of-function variants in GATA1 are known to be pathogenic (PMID: 16783379, 22706301, 23704091, 24453067).

OMIM
Classification: Pathogenic for LEUKEMIA, MEGAKARYOBLASTIC, SOMATIC. Last evaluated: 2004-04-15. Review status: no assertion criteria provided. Collection method: literature only. Allele origin: somatic. Not counted in ClinVar's aggregate classification.

Literature cited by the submitters: PubMed 16783379 (cited by Labcorp Genetics (formerly Invitae), Labcorp); PubMed 22706301 (cited by Labcorp Genetics (formerly Invitae), Labcorp); PubMed 23704091 (cited by Labcorp Genetics (formerly Invitae), Labcorp); PubMed 24453067 (cited by Labcorp Genetics (formerly Invitae), Labcorp); PubMed 15070711 (cited by OMIM).

NM_002049.4(GATA1):c.154_173dup (p.Ala59fs)

Gene: GATA1 (GATA binding protein 1; plus strand). Cytogenetic location: Xp11.23.
Variant type: Duplication.
Coding change: c.154_173dup on transcript NM_002049.4 (MANE Select); coding-DNA positions 154 to 173, 20 bases duplicated (ACAGCCACCGCTGCAGCTGC).
Protein change: p.Ala59fs; shifts the reading frame from alanine 59.
Molecular consequence: frameshift variant.
Genome position (GRCh38, 1-based): chrX:48,791,263-48,791,282, ACAGCCACCGCTGCAGCTGC duplicated; duplicating any 20 consecutive bases within chrX:48,791,261-48,791,282 gives the same sequence; the c. name uses the placement nearest the transcript's 3' end. VCF-style (leftmost placement, unchanged base first): chrX-48791260-A-AGCACAGCCACCGCTGCAGCT. GRCh37 (hg19) VCF-style: chrX-48649667-A-AGCACAGCCACCGCTGCAGCT.
Other names: short protein forms A59fs.
Identifiers: ClinVar variation 10429 (VCV000010429.7), dbSNP rs398124628, ClinGen allele CA248608.
Genomic context (GRCh38, chrX:48,791,260, plus strand): 5'-GGGGTTTTCTTCCCCTCTGGGCCTGAGGGCTTGGATGCAGCAGCTTCCTCCACTGCCCCG[A>AGCACAGCCACCGCTGCAGCT]GCACAGCCACCGCTGCAGCTGCGGCACTGGCCTACTACAGGGACGCTGAGGCCTACAGAC-3'